The following is an entry in ClinVar:

NM_001379200.1(TBX1):c.1193C>T (p.Pro398Leu)

Gene: TBX1 (T-box transcription factor 1; plus strand). Cytogenetic location: 22q11.21.
Variant type: single nucleotide variant.
Coding change: c.1193C>T on transcript NM_001379200.1 (MANE Select); coding-DNA position 1193, C replaced by T.
Protein change: p.Pro398Leu; replaces proline 398 with leucine.
Molecular consequence: missense variant. On other transcripts: intron variant (2).
Genome position (GRCh38, 1-based): chr22:19,766,545, C>T. VCF-style: chr22-19766545-C-T. GRCh37 (hg19) VCF-style: chr22-19754068-C-T.
Other names: c.1166C>T, p.Pro389Leu (NM_080647.1); c.1009+543C>T (NM_005992.1, NM_080646.2); short protein forms P389L, P398L.
Identifiers: ClinVar variation 4865335 (VCV004865335.1).

ClinVar aggregate classification (germline): Uncertain significance (1 of 4 stars; one submission).

Conditions:
Cardiovascular phenotype. Identifiers: MedGen CN230736.

gnomAD v4.1: 1 of 1,358,116 alleles (0.000074%); highest among the groups gnomAD compares: Non-Finnish European, 0.000094%; no homozygotes.

Submission:

Ambry Genetics
Classification: Uncertain significance for Cardiovascular phenotype. Last evaluated: 2026-05-14. Review status: criteria provided, single submitter. Criteria: Ambry Variant Classification Scheme 2023. Collection method: clinical testing. Allele origin: germline.
Comment: The p.P389L variant (also known as c.1166C>T), located in coding exon 8 of the TBX1 gene, results from a C to T substitution at nucleotide position 1166. The proline at codon 389 is replaced by leucine, an amino acid with similar properties. This amino acid position is conserved. In addition, this alteration is predicted to be tolerated by in silico analysis. Based on the available evidence, the clinical significance of this variant remains unclear.